The following is an entry in ClinVar:

ClinVar aggregate classification (germline): Uncertain significance (1 of 4 stars; one submission).

Allele frequency attached by ClinVar (database versions not stated): TOPMed below 0.00001.

Submission:

Labcorp Genetics (formerly Invitae), Labcorp
Classification: Uncertain significance. Last evaluated: 2021-12-13. Review status: criteria provided, single submitter. Criteria: Invitae Variant Classification Sherloc (09022015). Collection method: clinical testing. Allele origin: germline.
Comment: In summary, the available evidence is currently insufficient to determine the role of this variant in disease. Therefore, it has been classified as a Variant of Uncertain Significance. Algorithms developed to predict the effect of missense changes on protein structure and function are either unavailable or do not agree on the potential impact of this missense change (SIFT: "Deleterious"; PolyPhen-2: "Benign"; Align-GVGD: "Class C65"). This variant has not been reported in the literature in individuals affected with USH2A-related conditions. This variant is not present in population databases (gnomAD no frequency). This sequence change replaces glutamic acid, which is acidic and polar, with alanine, which is neutral and non-polar, at codon 3449 of the USH2A protein (p.Glu3449Ala).

NM_206933.4(USH2A):c.10346A>C (p.Glu3449Ala)

Gene: USH2A (usherin; minus strand). Cytogenetic location: 1q41.
Variant type: single nucleotide variant.
Coding change: c.10346A>C on transcript NM_206933.4 (MANE Select); coding-DNA position 10346, A replaced by C.
Protein change: p.Glu3449Ala; replaces glutamic acid 3449 with alanine.
Molecular consequence: missense variant.
Genome position (GRCh38, 1-based): chr1:215,786,711, T>G on the plus strand (A>C on the coding strand, the complement: USH2A is on the minus strand). VCF-style: chr1-215786711-T-G. GRCh37 (hg19) VCF-style: chr1-215960053-T-G.
Other names: short protein forms E3449A.
Identifiers: ClinVar variation 1484940 (VCV001484940.6), dbSNP rs1661810941, ClinGen allele CA344839682.